The following is an entry in ClinVar:

ClinVar aggregate classification (germline): Uncertain significance (1 of 4 stars; one submission).

Submission:

Women's Health and Genetics/Laboratory Corporation of America, LabCorp
Classification: Uncertain significance. Last evaluated: 2025-01-30. Review status: criteria provided, single submitter. Criteria: LabCorp Variant Classification Summary - May 2015. Collection method: clinical testing. Allele origin: germline.
Comment: Variant summary: TTN c.86134A>G (p.Arg28712Gly) results in a non-conservative amino acid change located in the A band region of the encoded protein sequence. Three of four in-silico tools predict a damaging effect of the variant on protein function. The variant was absent in 248724 control chromosomes. The available data on variant occurrences in the general population are insufficient to allow any conclusion about variant significance. To our knowledge, no occurrence of c.86134A>G in individuals affected with Autosomal Recessive Titinopathy and no experimental evidence demonstrating its impact on protein function have been reported. No submitters have cited clinical-significance assessments for this variant to ClinVar. Based on the evidence outlined above, the variant was classified as uncertain significance.

NM_001267550.2(TTN):c.93838A>G (p.Arg31280Gly)

Genes: TTN (titin; minus strand), TTN-AS1 (TTN antisense RNA 1; plus strand). Cytogenetic location: 2q31.2.
Variant type: single nucleotide variant.
Coding change: c.93838A>G on transcript NM_001267550.2 (MANE Select); coding-DNA position 93838, A replaced by G.
Protein change: p.Arg31280Gly; replaces arginine 31280 with glycine.
Molecular consequence: missense variant.
Genome position (GRCh38, 1-based): chr2:178,547,788, T>C on the plus strand (A>G on the coding strand, the complement: TTN is on the minus strand). VCF-style: chr2-178547788-T-C. GRCh37 (hg19) VCF-style: chr2-179412515-T-C.
Other names: c.88915A>G, p.Arg29639Gly (NM_001256850.1); c.66643A>G, p.Arg22215Gly (NM_003319.4); c.86134A>G, p.Arg28712Gly (NM_133378.4); c.67018A>G, p.Arg22340Gly (NM_133432.3); c.67219A>G, p.Arg22407Gly (NM_133437.4); short protein forms R22215G, R22340G, R22407G, R28712G, R29639G, R31280G.
Identifiers: ClinVar variation 3769447 (VCV003769447.2).